The following is an entry in ClinVar:

ClinVar aggregate classification (germline): Uncertain significance (1 of 4 stars; one submission).

Submission:

Labcorp Genetics (formerly Invitae), Labcorp
Classification: Uncertain significance. Last evaluated: 2025-04-20. Review status: criteria provided, single submitter. Criteria: Invitae Variant Classification Sherloc (09022015). Collection method: clinical testing. Allele origin: germline.
Comment: This sequence change replaces methionine, which is neutral and non-polar, with threonine, which is neutral and polar, at codon 108 of the SYT2 protein (p.Met108Thr). This variant is not present in population databases (gnomAD no frequency). This variant has not been reported in the literature in individuals affected with SYT2-related conditions. An algorithm developed to predict the effect of missense changes on protein structure and function (PolyPhen-2) suggests that this variant is likely to be tolerated. In summary, the available evidence is currently insufficient to determine the role of this variant in disease. Therefore, it has been classified as a Variant of Uncertain Significance.

NM_177402.5(SYT2):c.323T>C (p.Met108Thr)

Gene: SYT2 (synaptotagmin 2; minus strand). Cytogenetic location: 1q32.1.
Variant type: single nucleotide variant.
Coding change: c.323T>C on transcript NM_177402.5 (MANE Select); coding-DNA position 323, T replaced by C.
Protein change: p.Met108Thr; replaces methionine 108 with threonine.
Molecular consequence: missense variant.
Genome position (GRCh38, 1-based): chr1:202,604,477, A>G on the plus strand (T>C on the coding strand, the complement: SYT2 is on the minus strand). VCF-style: chr1-202604477-A-G. GRCh37 (hg19) VCF-style: chr1-202573605-A-G.
Other names: c.323T>C, p.Met108Thr (NM_001136504.1); short protein forms M108T.
Identifiers: ClinVar variation 4717110 (VCV004717110.1).